The following is an entry in ClinVar:

ClinVar aggregate classification (germline): Uncertain significance. Review status: criteria provided, multiple submitters, no conflicts (2 of 4 stars). 3 submissions from 3 submitters: Uncertain significance (3). Last evaluated 2026-09-11.

Conditions:
Hypercholesterolemia, autosomal dominant, type B (FHCL2). Also called: HYPERCHOLESTEROLEMIA, FAMILIAL, DUE TO LIGAND-DEFECTIVE APOLIPOPROTEIN B; Hyperlipoproteinemia Type IIb; Familial Hypercholesterolemia Type B; Familial hypercholesterolemia 2; APOLIPOPROTEIN B-100, FAMILIAL DEFECTIVE; APOLIPOPROTEIN B-100, FAMILIAL LIGAND-DEFECTIVE. Identifiers: MedGen C1704417, MONDO:0007751, OMIM 144010.
Familial hypobetalipoproteinemia 1. Also called: Hypobetalipoproteinemia, normotriglyceridemic; Acanthocytosis with hypobetalipoproteinemia; APOB-Related Familial Hypobetalipoproteinemia. Identifiers: MedGen C4551990, MONDO:0014252, OMIM 615558.
Cardiovascular phenotype. Identifiers: MedGen CN230736.
Familial hypercholesterolemia. Also called: Familial hypercholesterolemias; Familial hypercholesterolaemia. Identifiers: MedGen C0020445, MONDO:0005439.

Allele frequency attached by ClinVar (database versions not stated): gnomAD exomes below 0.00001.
gnomAD v4.1: 1 of 1,613,896 alleles (0.000062%); highest among the groups gnomAD compares: Non-Finnish European, 0.000085%; no homozygotes.

Submissions (3):

Ambry Genetics
Classification: Uncertain significance for Cardiovascular phenotype. Last evaluated: 2026-09-11. Review status: criteria provided, single submitter. Criteria: Ambry Variant Classification Scheme 2023. Collection method: clinical testing. Allele origin: germline.
Comment: The p.E4558K variant (also known as c.13672G>A), located in coding exon 29 of the APOB gene, results from a G to A substitution at nucleotide position 13672. The glutamic acid at codon 4558 is replaced by lysine, an amino acid with similar properties. This amino acid position is conserved. In addition, this alteration is predicted to be tolerated by in silico analysis. Based on the available evidence, the clinical significance of this variant remains unclear.

Fulgent Genetics
Classification: Uncertain significance for Hypercholesterolemia, autosomal dominant, type B; Familial hypobetalipoproteinemia 1. Last evaluated: 2021-10-20. Review status: criteria provided, single submitter. Criteria: ACMG Guidelines, 2015. Collection method: clinical testing. Allele origin: unknown.

Color Diagnostics, LLC DBA Color Health
Classification: Uncertain significance for Familial hypercholesterolemia. Last evaluated: 2019-02-04. Review status: criteria provided, single submitter. Criteria: ACMG Guidelines, 2015. Collection method: clinical testing. Allele origin: germline.
Comment: Variant of Uncertain Significance due to insufficient evidence: This missense variant (also known as p.Glu4531Lys in the mature protein) replaces glutamic acid with lysine at codon 4558 of the APOB protein. Computational prediction tools and conservation analyses are inconclusive regarding the impact of this variant on the protein function. Computational splicing tools suggest that this variant may not impact RNA splicing. To our knowledge, functional assays have not been performed for this variant nor has this variant been reported in individuals affected with familial hypercholesterolemia in the literature. This variant is rare in the general population and has been identified in 0/277264 chromosomes by the Genome Aggregation Database (gnomAD). Available evidence is insufficient to determine the role of this variant in disease conclusively.

NM_000384.3(APOB):c.13672G>A (p.Glu4558Lys)

Genes: APOB (apolipoprotein B; minus strand), APOB3'MAR (APOB 3' scaffold/matrix attachment region; plus strand). Cytogenetic location: 2p24.1.
Variant type: single nucleotide variant.
Coding change: c.13672G>A on transcript NM_000384.3 (MANE Select); coding-DNA position 13672, G replaced by A.
Protein change: p.Glu4558Lys; replaces glutamic acid 4558 with lysine.
Molecular consequence: missense variant.
Genome position (GRCh38, 1-based): chr2:21,001,750, C>T on the plus strand (G>A on the coding strand, the complement: APOB is on the minus strand). VCF-style: chr2-21001750-C-T. GRCh37 (hg19) VCF-style: chr2-21224622-C-T.
Other names: short protein forms E4558K.
Identifiers: ClinVar variation 921025 (VCV000921025.6), dbSNP rs1662980631, ClinGen allele CA345966672.
Genomic context (GRCh38, chr2:21,001,750, plus strand): 5'-AATTGGAAAAGAAGAATAAATGAAGATTTCTTTTAAAAAATTAGAGGATGATAGTAAGTT[C>T]TCCTGGAGCAAGCTTCATGTAGGGGTTCATGACTGTGGTTGATTGCAGCTTTTTCAGTAA-3'
Protein context (NP_000375.3, residues 4548-4563): MNPYMKLAPG[Glu4558Lys]LTIIL